The following is an entry in ClinVar:

ClinVar aggregate classification (germline): Uncertain significance. Review status: criteria provided, multiple submitters, no conflicts (2 of 4 stars). 2 submissions from 2 submitters: Uncertain significance (2). Last evaluated 2024-09-03.

Conditions:
Trichorhinophalangeal dysplasia type I (TRPS1). Also called: TRICHORHINOPHALANGEAL SYNDROME, TYPE I; TRPS I. Identifiers: Orphanet 77258, MedGen C0432233, MONDO:0008596, OMIM 190350.
Trichorhinophalangeal syndrome, type III (TRPS3). Also called: SUGIO-KAJII SYNDROME. Identifiers: Orphanet 77258, MedGen C1860823, OMIM 190351, MONDO:0008597.
Inborn genetic diseases. Identifiers: MedGen C0950123, MeSH D030342.

Allele frequency attached by ClinVar (database versions not stated): gnomAD 0.00001; gnomAD exomes 0.00001.
gnomAD v4.1: 11 of 1,614,060 alleles (0.00068%); highest among the groups gnomAD compares: South Asian, 0.012%; no homozygotes.

Submissions (2):

Ambry Genetics
Classification: Uncertain significance for Inborn genetic diseases. Last evaluated: 2024-09-03. Review status: criteria provided, single submitter. Criteria: Ambry Variant Classification Scheme 2023. Collection method: clinical testing. Allele origin: germline.

Labcorp Genetics (formerly Invitae), Labcorp
Classification: Uncertain significance for Trichorhinophalangeal syndrome, type III; Trichorhinophalangeal dysplasia type I. Last evaluated: 2023-07-22. Review status: criteria provided, single submitter. Criteria: Invitae Variant Classification Sherloc (09022015). Collection method: clinical testing. Allele origin: germline.
Comment: This sequence change replaces proline, which is neutral and non-polar, with leucine, which is neutral and non-polar, at codon 200 of the TRPS1 protein (p.Pro200Leu). This variant is not present in population databases (gnomAD no frequency). This variant has not been reported in the literature in individuals affected with TRPS1-related conditions. Advanced modeling of protein sequence and biophysical properties (such as structural, functional, and spatial information, amino acid conservation, physicochemical variation, residue mobility, and thermodynamic stability) performed at Invitae indicates that this missense variant is not expected to disrupt TRPS1 protein function. In summary, the available evidence is currently insufficient to determine the role of this variant in disease. Therefore, it has been classified as a Variant of Uncertain Significance.

NM_014112.5(TRPS1):c.599C>T (p.Pro200Leu)

Gene: TRPS1 (transcriptional repressor GATA binding 1; minus strand). Cytogenetic location: 8q23.3.
Variant type: single nucleotide variant.
Coding change: c.599C>T on transcript NM_014112.5 (MANE Select); coding-DNA position 599, C replaced by T.
Protein change: p.Pro200Leu; replaces proline 200 with leucine.
Molecular consequence: missense variant.
Genome position (GRCh38, 1-based): chr8:115,619,499, G>A on the plus strand (C>T on the coding strand, the complement: TRPS1 is on the minus strand). VCF-style: chr8-115619499-G-A. GRCh37 (hg19) VCF-style: chr8-116631726-G-A.
Other names: c.599C>T (NM_014112.2); c.572C>T, p.Pro191Leu (NM_001282902.3); c.578C>T, p.Pro193Leu (NM_001282903.3); c.560C>T, p.Pro187Leu (NM_001330599.2); short protein forms P191L, P193L, P187L, P200L.
Identifiers: ClinVar variation 2926512 (VCV002926512.4), dbSNP rs1818339568, ClinGen allele CA372069277.